The following is an entry in ClinVar:

NM_001256470.2(PLEKHA5):c.3288A>G (p.Ser1096=)

Gene: PLEKHA5 (pleckstrin homology domain containing A5; plus strand). Cytogenetic location: 12p12.3.
Variant type: single nucleotide variant.
Coding change: c.3288A>G on transcript NM_001256470.2 (MANE Select); coding-DNA position 3288, A replaced by G.
Protein change: p.Ser1096=; no amino-acid change (serine 1096 retained).
Molecular consequence: synonymous variant. On other transcripts: non-coding transcript variant (6).
Genome position (GRCh38, 1-based): chr12:19,358,377, A>G. VCF-style: chr12-19358377-A-G. GRCh37 (hg19) VCF-style: chr12-19511311-A-G.
Other names: c.2964A>G, p.Ser988= (NM_001143821.3, NM_001385933.1, NM_001385968.1); c.2736A>G, p.Ser912= (NM_001256787.2); c.3270A>G, p.Ser1090= (NM_001385923.1); c.3252A>G, p.Ser1084= (NM_001385924.1); c.3234A>G, p.Ser1078= (NM_001385925.1); c.3288A>G, p.Ser1096= (NM_001385926.1); c.3168A>G, p.Ser1056= (NM_001385927.1); c.3120A>G, p.Ser1040= (NM_001385928.1); and 30 more.
Identifiers: ClinVar variation 4982647 (VCV004982647.1).
Genomic context (GRCh38, chr12:19,358,377, plus strand): 5'-AAGACATCAACAAGCGTGCCTGAGGGAGAAGAAAAAAGGGTTAAATGTTATCGGTGCTTC[A>G]GACCAGTCACCCTTACAAAGCCCTTCAAATTTAAGGGATAATCCATTTAGGACTACTCAG-3'
Protein context (NP_001243399.1, residues 1086-1106): KKKGLNVIGA[Ser1096=]DQSPLQSPSN

ClinVar aggregate classification (germline): Likely benign (1 of 4 stars; one submission).

Conditions:
PLEKHA5-related disorder. Also called: PLEKHA5-related condition.

Submission:

PreventionGenetics, part of Exact Sciences
Classification: Likely benign for PLEKHA5-related condition. Last evaluated: 2025-06-27. Review status: criteria provided, single submitter. Criteria: ACMG Guidelines, 2015. Collection method: clinical testing. Allele origin: germline.
Comment: This variant is classified as likely benign based on ACMG/AMP sequence variant interpretation guidelines (Richards et al. 2015 PMID: 25741868, with internal and published modifications).